The following is an entry in ClinVar:

NC_000002.11:g.(?_29917706)_(29940573_?)dup

Gene: ALK (ALK receptor tyrosine kinase; minus strand). Cytogenetic location: 2p23.2.
Variant type: Duplication.
Identifiers: ClinVar variation 1007540 (VCV001007540.3).

ClinVar aggregate classification (germline): Uncertain significance (1 of 4 stars; one submission).

Conditions:
Neuroblastoma, susceptibility to, 3. Also called: ALK-Related Neuroblastic Tumor Susceptibility. Identifiers: Orphanet 635, MedGen C2751681, MONDO:0013083, OMIM 613014.

Submission:

Labcorp Genetics (formerly Invitae), Labcorp
Classification: Uncertain significance for Neuroblastoma, susceptibility to, 3. Last evaluated: 2020-04-20. Review status: criteria provided, single submitter. Criteria: Invitae Variant Classification Sherloc (09022015). Collection method: clinical testing. Allele origin: germline.
Comment: In summary, the available evidence is currently insufficient to determine the role of this variant in disease. Therefore, it has been classified as a Variant of Uncertain Significance. Experimental studies and prediction algorithms are not available or were not evaluated, and the functional significance of this variant is currently unknown. This variant has not been reported in the literature in individuals with ALK-related conditions. This variant results in a copy number gain of the genomic region encompassing exon(s) 2-3 of the ALK gene. While the exact position of this variant cannot be determined from the data, sub-genic copy number gains are generally in tandem (PMID: 25640679). This variant is predicted to be in-frame, and likely preserves the integrity of the reading frame.

Literature cited by the submitters: PubMed 25640679.